The following is an entry in ClinVar:

NM_001267550.2(TTN):c.99063del (p.Lys33021fs)

Genes: TTN (titin; minus strand), TTN-AS1 (TTN antisense RNA 1; plus strand). Cytogenetic location: 2q31.2.
Variant type: Deletion.
Coding change: c.99063del on transcript NM_001267550.2 (MANE Select); coding-DNA position 99063, one base deleted (A; older notation c.99063delA).
Protein change: p.Lys33021fs; shifts the reading frame from lysine 33021.
Molecular consequence: frameshift variant. On other transcripts: non-coding transcript variant (1).
Genome position (GRCh38, 1-based): chr2:178,538,766, T deleted on the plus strand (A on the coding strand, the reverse complement: TTN is on the minus strand); the first of 3 consecutive T bases (chr2:178,538,766-178,538,768); deleting any one gives the same sequence. VCF-style (leftmost placement, unchanged base first): chr2-178538765-GT-G. GRCh37 (hg19) VCF-style: chr2-179403492-GT-G.
Other names: c.94140del, p.Lys31380fs (NM_001256850.1); c.71868del, p.Lys23956fs (NM_003319.4); c.91359del, p.Lys30453fs (NM_133378.4); c.72243del, p.Lys24081fs (NM_133432.3); c.72444del, p.Lys24148fs (NM_133437.4); c.99063delA (NM_001267550.2); c.94140delA (NM_001256850.1); c.71868delA (NM_003319.4); short protein forms K30453fs, K33021fs, K23956fs, K24148fs, K24081fs, K31380fs.
Identifiers: ClinVar variation 570461 (VCV000570461.16), dbSNP rs1445687820, ClinGen allele CA538435077.

ClinVar aggregate classification (germline): Pathogenic/Likely pathogenic. Review status: criteria provided, multiple submitters, no conflicts (2 of 4 stars). 4 submissions from 4 submitters: Pathogenic (1); Likely pathogenic (2). 1 of the submissions does not count toward it. Last evaluated 2025-08-18.

Conditions:
TTN-related disorder. Also called: TTN-related disorders; TTN-related condition; TTN-related disease.
Dilated cardiomyopathy 1G (CMD1G). Identifiers: Orphanet 154, MedGen C1858763, MONDO:0011400, OMIM 604145.
Autosomal recessive limb-girdle muscular dystrophy type 2J (LGMDR10). Also called: Limb-girdle muscular dystrophy, type 2J; MUSCULAR DYSTROPHY, LIMB-GIRDLE, AUTOSOMAL RECESSIVE 10. Identifiers: Orphanet 140922, MedGen C1837342, MONDO:0012127, OMIM 608807.
Cardiovascular phenotype. Identifiers: MedGen CN230736.

Submissions (4):

Ambry Genetics
Classification: Pathogenic for Cardiovascular phenotype. Last evaluated: 2025-08-18. Review status: criteria provided, single submitter. Criteria: Ambry Variant Classification Scheme 2023. Collection method: clinical testing. Allele origin: germline.
Comment: The c.71868delA pathogenic mutation, located in coding exon 181 of the TTN gene, results from a deletion of one nucleotide at nucleotide position 71868, causing a translational frameshift with a predicted alternate stop codon (p.K23956Nfs*40). This exon is located in the A-band region of the N2-B isoform of the titin protein and is constitutively expressed in TTN transcripts (percent spliced in or PSI 100%). This variant was reported in individual(s) with features consistent with TTN-related dilated cardiomyopathy (DCM) (Ambry internal data). In addition, this alteration is expected to result in loss of function by premature protein truncation or nonsense-mediated mRNA decay. While truncating variants in TTN are present in 1-3% of the general population, truncating variants in the A-band are the most common cause of dilated cardiomyopathy (DCM) (Herman DS et al. N. Engl. J. Med., 2012 Feb;366:619-28; Roberts AM et al. Sci Transl Med, 2015 Jan;7:270ra6). TTN truncating variants encoded in constitutive exons (PSI >90%) have been found to be significantly associated with DCM regardless of their position in titin (Schafer S et al. Nat. Genet., 2017 01;49:46-53). Based on the supporting evidence, this alteration is interpreted as a disease-causing mutation.

Labcorp Genetics (formerly Invitae), Labcorp
Classification: Likely pathogenic for Dilated cardiomyopathy 1G; Autosomal recessive limb-girdle muscular dystrophy type 2J. Last evaluated: 2025-02-12. Review status: criteria provided, single submitter. Criteria: Invitae Variant Classification Sherloc (09022015). Collection method: clinical testing. Allele origin: germline.
Comment: This sequence change creates a premature translational stop signal (p.Lys33021Asnfs*40) in the TTN gene. While this is not anticipated to result in nonsense mediated decay, it is expected to create a truncated TTN protein. This variant is present in population databases (no rsID available, gnomAD 0.006%). This premature translational stop signal has been observed in individual(s) with dilated cardiomyopathy (internal data). ClinVar contains an entry for this variant (Variation ID: 570461). This variant is located in the A band of TTN (PMID: 25589632). Truncating variants in this region are significantly overrepresented in patients affected with dilated cardiomyopathy (PMID: 25589632). Truncating variants in this region have also been reported in individuals affected with autosomal recessive centronuclear myopathy (PMID: 23975875). In summary, the currently available evidence indicates that the variant is pathogenic, but additional data are needed to prove that conclusively. Therefore, this variant has been classified as Likely Pathogenic.

GeneDx
Classification: Likely pathogenic. Last evaluated: 2018-08-06. Review status: criteria provided, single submitter. Criteria: GeneDx Variant Classification (06012015). Collection method: clinical testing. Allele origin: germline. Affected: yes.
Comment: The c.94140delA variant in the TTN gene has not been reported previously as a pathogenic variant nor as a benign variant, to our knowledge. The c.94140delA variant causes a frameshift starting with codon Lysine 31380, changes this amino acid to an Asparagine residue, and creates a premature Stop codon at position 40 of the new reading frame, denoted p.Lys31380AsnfsX40. This variant, located within the A-band region of the protein, is predicted to cause loss of normal protein function either through protein truncation or nonsense-mediated mRNA decay. The c.94140delA variant is not observed at a significant frequency in large population cohorts (Lek et al., 2016). We interpret c.94140delA as a likely pathogenic variant.

PreventionGenetics, part of Exact Sciences
Classification: Likely pathogenic for TTN-related condition. Last evaluated: 2023-12-02. Review status: no assertion criteria provided. Collection method: clinical testing. Allele origin: germline. Not counted in ClinVar's aggregate classification.
Comment: The TTN c.99063delA variant is predicted to result in a frameshift and premature protein termination (p.Lys33021Asnfs*40). This variant occurs within the A-band region of the titin protein. RNAseq studies from heart tissue indicate this exon is commonly included in TTN mRNA transcripts (PSI of 100%, Roberts AM et al. 2015. PubMed ID: 25589632). TTN truncating variants are reported in 1-2% of presumably healthy individuals but occur more frequently in exons with low PSI values (Roberts AM et al. 2015. PubMed ID: 25589632; Herman DS et al. 2012. PubMed ID: 22335739). To our knowledge, this variant has not been reported in the literature. However, a large number of truncating variants within this exon have been reported individuals with autosomal dominant dilated cardiomyopathy (Supplementary Appendix Table 6, Herman DS et al. 2012. PubMed ID: 22335739). This variant is reported in 0.0058% of alleles in individuals of Latino descent in gnomAD. Of note, truncating TTN variants in constitutive exons (PSI > 90%) are significantly associated with dilated cardiomyopathy (DCM) irrespective of their position in TTN (Schafer S et al. 2017. PubMed ID: 27869827). In addition, many cases of recessive TTN-related myopathies in which the individual is compound heterozygous for two loss of function variants in TTN have also been reported (See Ceyhan-Birsoy O. et al. 2013. PMID: 23975875; Chauveau C et al. 2014. PMID: 24105469; Evilä A et al. 2016. PMID: 27796757; Ge et al. 2019. PubMed ID: 31053406).. Therefore, the c.99063delA (p.Lys33021Asnfs*40) variant is interpreted as likely pathogenic for autosomal dominant and recessive TTN-related disorders.

Literature cited by the submitters: PubMed 25589632 (cited by Labcorp Genetics (formerly Invitae), Labcorp); PubMed 23975875 (cited by Labcorp Genetics (formerly Invitae), Labcorp).